The following is an entry in ClinVar:

NM_000352.6(ABCC8):c.996C>A (p.Asp332Glu)

Gene: ABCC8 (ATP binding cassette subfamily C member 8; minus strand). Cytogenetic location: 11p15.1.
Variant type: single nucleotide variant.
Coding change: c.996C>A on transcript NM_000352.6 (MANE Select); coding-DNA position 996, C replaced by A.
Protein change: p.Asp332Glu; replaces aspartic acid 332 with glutamic acid.
Molecular consequence: missense variant. On other transcripts: non-coding transcript variant (1).
Genome position (GRCh38, 1-based): chr11:17,460,503, G>T on the plus strand (C>A on the coding strand, the complement: ABCC8 is on the minus strand). VCF-style: chr11-17460503-G-T. GRCh37 (hg19) VCF-style: chr11-17482050-G-T.
Other names: c.996C>A, p.Asp332Glu (NM_001287174.3, NM_001351295.2); c.993C>A, p.Asp331Glu (NM_001351296.2, NM_001351297.2); short protein forms D331E, D332E.
Identifiers: ClinVar variation 4885632 (VCV004885632.2).
Genomic context (GRCh38, chr11:17,460,503, plus strand): 5'-AAAACCATCTAGAGGGTGCCTTACCCTACCCCTGGGGCTGCCTACCTTGGGCTGGAAGAC[G>T]TCGTTCTCCTTCCCAAGGTGGTCCACGATCCCAAAGATGCACAGTGGCCCGGCGAAGCCC-3'
Protein context (NP_000343.2, residues 322-342): GIVDHLGKEN[Asp332Glu]VFQPKTQFLG

ClinVar aggregate classification (germline): Uncertain significance (1 of 4 stars; one submission).

gnomAD v4.1: 5 of 1,614,120 alleles (0.00031%); highest among the groups gnomAD compares: African/African-American, 0.0053%; no homozygotes.

Submission:

Dasa
Classification: Uncertain significance. Last evaluated: 2026-01-15. Review status: criteria provided, single submitter. Criteria: DASA Assertion Criteria. Collection method: clinical testing. Allele origin: germline.
Comment: NM_000352.6(ABCC8):c.996C>A (p.Asp332Glu) is a missense variant that results in the substitution of aspartic acid with glutamic acid. The affected residue or protein region has prior evidence supporting clinical relevance. This variant is rare in population databases. The currently available literature and clinical evidence are not sufficient to establish a definitive association between this variant and the reported condition. Therefore, this variant is classified as a variant of uncertain significance.